The following is an entry in ClinVar:

NM_001363749.2(CSNK1D):c.1222C>T (p.Arg408Trp)

Genes: CSNK1D (casein kinase 1 delta; minus strand), SLC16A3 (solute carrier family 16 member 3; plus strand). Cytogenetic location: 17q25.3.
Variant type: single nucleotide variant.
Coding change: c.1222C>T on transcript NM_001363749.2; coding-DNA position 1222, C replaced by T.
Protein change: p.Arg408Trp; replaces arginine 408 with tryptophan.
Molecular consequence: missense variant. On other transcripts: 3 prime UTR variant (6).
Genome position (GRCh38, 1-based): chr17:82,240,038, G>A on the plus strand (C>T on the coding strand, the complement: CSNK1D is on the minus strand). VCF-style: chr17-82240038-G-A. GRCh37 (hg19) VCF-style: chr17-80197914-G-A.
Other names: c.*1062G>A (NM_001042423.3, NM_001206950.2, NM_001206951.2 and 3 more transcripts); short protein forms R408W.
Identifiers: ClinVar variation 4989899 (VCV004989899.1).
Genomic context (GRCh38, chr17:82,240,038, plus strand): 5'-AGTAGGTGCGTCGTGGGCGCTGGGGACGGCAGCGGGTGCCCTGGCGGGCCGCGTGCAGCC[G>A]GAGAGATGCCATGTCCCTGCTCCTCTGCAATGAAAAGCAAGCGAAAAGTGCACATCTCAG-3'

ClinVar aggregate classification (germline): Likely benign (1 of 4 stars; one submission).

Conditions:
CSNK1D-related disorder. Also called: CSNK1D-related condition.

gnomAD v4.1: 377 of 1,233,802 alleles (0.031%); highest among the groups gnomAD compares: South Asian, 0.72%; 1 homozygote.

Submission:

PreventionGenetics, part of Exact Sciences
Classification: Likely benign for CSNK1D-related condition. Last evaluated: 2026-03-30. Review status: criteria provided, single submitter. Criteria: ACMG Guidelines, 2015. Collection method: clinical testing. Allele origin: germline.
Comment: This variant is classified as likely benign based on ACMG/AMP sequence variant interpretation guidelines (Richards et al. 2015 PMID: 25741868, with internal and published modifications).